The following is an entry in ClinVar:

NM_006231.4(POLE):c.3019G>C (p.Ala1007Pro)

Gene: POLE (DNA polymerase epsilon, catalytic subunit; minus strand). Cytogenetic location: 12q24.33.
Variant type: single nucleotide variant.
Coding change: c.3019G>C on transcript NM_006231.4 (MANE Select); coding-DNA position 3019, G replaced by C.
Protein change: p.Ala1007Pro; replaces alanine 1007 with proline.
Molecular consequence: missense variant.
Genome position (GRCh38, 1-based): chr12:132,661,010, C>G on the plus strand (G>C on the coding strand, the complement: POLE is on the minus strand). VCF-style: chr12-132661010-C-G. GRCh37 (hg19) VCF-style: chr12-133237596-C-G.
Other names: c.3019G>C (NM_006231.2); short protein forms A1007P.
Identifiers: ClinVar variation 405620 (VCV000405620.10), dbSNP rs747692201, ClinGen allele CA6893388.

ClinVar aggregate classification (germline): Uncertain significance. Review status: criteria provided, multiple submitters, no conflicts (2 of 4 stars). 3 submissions from 3 submitters: Uncertain significance (2). 1 of the submissions does not count toward it. Last evaluated 2025-03-06.

Conditions:
Intrauterine growth retardation, metaphyseal dysplasia, adrenal hypoplasia congenita, genital anomalies, and immunodeficiency. Also called: IMAGEI SYNDROME. Identifiers: MedGen C5193036, MONDO:0032684, OMIM 618336.
Hereditary cancer-predisposing syndrome. Also called: Hereditary Cancer Syndrome; Hereditary neoplastic syndrome; Neoplastic Syndromes, Hereditary; Tumor predisposition. Identifiers: Orphanet 140162, MedGen C0027672, MeSH D009386, MONDO:0015356.

Allele frequency attached by ClinVar (database versions not stated): gnomAD exomes below 0.00001 and 0.00001; ExAC 0.00001.
gnomAD v4.1: 13 of 1,613,764 alleles (0.00081%); highest among the groups gnomAD compares: Non-Finnish European, 0.0011%; no homozygotes.

Submissions (3):

Ambry Genetics
Classification: Uncertain significance for Hereditary cancer-predisposing syndrome. Last evaluated: 2025-03-06. Review status: criteria provided, single submitter. Criteria: Ambry Variant Classification Scheme 2023. Collection method: clinical testing. Allele origin: germline.
Comment: The p.A1007P variant (also known as c.3019G>C), located in coding exon 25 of the POLE gene, results from a G to C substitution at nucleotide position 3019. The alanine at codon 1007 is replaced by proline, an amino acid with highly similar properties. This amino acid position is highly conserved in available vertebrate species. In addition, the in silico prediction for this alteration is inconclusive. Based on the available evidence, the clinical significance of this variant remains unclear.

Labcorp Genetics (formerly Invitae), Labcorp
Classification: Uncertain significance. Last evaluated: 2021-06-17. Review status: criteria provided, single submitter. Criteria: Invitae Variant Classification Sherloc (09022015). Collection method: clinical testing. Allele origin: germline.
Comment: In summary, the available evidence is currently insufficient to determine the role of this variant in disease. Therefore, it has been classified as a Variant of Uncertain Significance. Algorithms developed to predict the effect of missense changes on protein structure and function (SIFT, PolyPhen-2, Align-GVGD) all suggest that this variant is likely to be disruptive, but these predictions have not been confirmed by published functional studies and their clinical significance is uncertain. This variant has been observed in individual(s) with clinical features of autosomal recessive IMAGe syndrome (PMID: 30503519). This variant is present in population databases (rs747692201, ExAC 0.002%). This sequence change replaces alanine with proline at codon 1007 of the POLE protein (p.Ala1007Pro). The alanine residue is highly conserved and there is a small physicochemical difference between alanine and proline.

OMIM
Classification: Pathogenic for INTRAUTERINE GROWTH RETARDATION, METAPHYSEAL DYSPLASIA, ADRENAL HYPOPLASIA CONGENITA, GENITAL ANOMALIES, AND IMMUNODEFICIENCY. Last evaluated: 2019-02-26. Review status: no assertion criteria provided. Collection method: literature only. Allele origin: germline. Not counted in ClinVar's aggregate classification.

Literature cited by the submitters: PubMed 30503519 (cited by Labcorp Genetics (formerly Invitae), Labcorp and OMIM).